The following is an entry in ClinVar:

NM_013275.6(ANKRD11):c.5607G>A (p.Pro1869=)

Gene: ANKRD11 (ankyrin repeat domain 11; minus strand). Cytogenetic location: 16q24.3.
Variant type: single nucleotide variant.
Coding change: c.5607G>A on transcript NM_013275.6 (MANE Select); coding-DNA position 5607, G replaced by A.
Protein change: p.Pro1869=; no amino-acid change (proline 1869 retained).
Molecular consequence: synonymous variant.
Genome position (GRCh38, 1-based): chr16:89,280,935, C>T on the plus strand (G>A on the coding strand, the complement: ANKRD11 is on the minus strand). VCF-style: chr16-89280935-C-T. GRCh37 (hg19) VCF-style: chr16-89347343-C-T.
Other names: c.5607G>A, p.Pro1869= (NM_001256182.2, NM_001256183.2).
Identifiers: ClinVar variation 4873745 (VCV004873745.2).
Genomic context (GRCh38, chr16:89,280,935, plus strand): 5'-TTTTGCTTGTAAACTTGAGAAGACGCCCTCTGGAGACGGGGTGACAGTGACAACGGCAGC[C>T]GGTGGGCAGTGCAAAGCGTCGACTTTGGGCGACGGGAGGCCATAGTCTGGGGAGTAGTAC-3'
Protein context (NP_037407.4, residues 1859-1879): SPKVDALHCP[Pro1869=]AAVVTVTPSP

ClinVar aggregate classification (germline): Likely benign (1 of 4 stars; one submission).

Submission:

CeGaT Center for Human Genetics Tuebingen
Classification: Likely benign. Last evaluated: 2026-08-01. Review status: criteria provided, single submitter. Criteria: CeGaT Center For Human Genetics Tuebingen Variant Classification Criteria Version 2. Collection method: clinical testing. Allele origin: germline. Affected: yes. Observed: 2 variant alleles.
Comment: ANKRD11: BP4, BP7